The following is an entry in ClinVar:

NM_001184900.3(CARD8):c.949T>G (p.Ser317Ala)

Gene: CARD8 (caspase recruitment domain family member 8; minus strand). Cytogenetic location: 19q13.33.
Variant type: single nucleotide variant.
Coding change: c.949T>G on transcript NM_001184900.3 (MANE Select); coding-DNA position 949, T replaced by G.
Protein change: p.Ser317Ala; replaces serine 317 with alanine.
Molecular consequence: missense variant. On other transcripts: non-coding transcript variant (4).
Genome position (GRCh38, 1-based): chr19:48,230,524, A>C on the plus strand (T>G on the coding strand, the complement: CARD8 is on the minus strand). VCF-style: chr19-48230524-A-C. GRCh37 (hg19) VCF-style: chr19-48733781-A-C.
Other names: c.799T>G, p.Ser267Ala (NM_001184901.1, NM_001351783.2, NM_001351788.2 and 2 more transcripts); c.949T>G, p.Ser317Ala (NM_001184902.2, NM_001184903.1, NM_001351782.2); c.634T>G, p.Ser212Ala (NM_001351784.2, NM_001351787.2, NM_001351791.2 and 1 more transcripts); c.613T>G, p.Ser205Ala (NM_001351786.2); c.706T>G, p.Ser236Ala (NM_001351790.2); c.631T>G, p.Ser211Ala (NM_001365950.1); short protein forms S267A, S211A, S205A, S317A, S212A, S236A.
Identifiers: ClinVar variation 4765007 (VCV004765007.1).

ClinVar aggregate classification (germline): Uncertain significance (1 of 4 stars; one submission).

gnomAD v4.1: 1 of 1,614,012 alleles (0.000062%); highest among the groups gnomAD compares: South Asian, 0.0011%; no homozygotes.

Submission:

Labcorp Genetics (formerly Invitae), Labcorp
Classification: Uncertain significance. Last evaluated: 2025-02-14. Review status: criteria provided, single submitter. Criteria: Invitae Variant Classification Sherloc (09022015). Collection method: clinical testing. Allele origin: germline.
Comment: This sequence change replaces serine, which is neutral and polar, with alanine, which is neutral and non-polar, at codon 267 of the CARD8 protein (p.Ser267Ala). This variant is not present in population databases (gnomAD no frequency). This variant has not been reported in the literature in individuals affected with CARD8-related conditions. An algorithm developed to predict the effect of missense changes on protein structure and function (PolyPhen-2) suggests that this variant is likely to be disruptive. In summary, the available evidence is currently insufficient to determine the role of this variant in disease. Therefore, it has been classified as a Variant of Uncertain Significance.